The following is an entry in ClinVar:

NM_001104631.2(PDE4D):c.1762A>G (p.Met588Val)

Gene: PDE4D (phosphodiesterase 4D; minus strand). Cytogenetic location: 5q11.2.
Variant type: single nucleotide variant.
Coding change: c.1762A>G on transcript NM_001104631.2 (MANE Select); coding-DNA position 1762, A replaced by G.
Protein change: p.Met588Val; replaces methionine 588 with valine.
Molecular consequence: missense variant.
Genome position (GRCh38, 1-based): chr5:58,976,418, T>C on the plus strand (A>G on the coding strand, the complement: PDE4D is on the minus strand). VCF-style: chr5-58976418-T-C. GRCh37 (hg19) VCF-style: chr5-58272245-T-C.
Other names: c.1579A>G, p.Met527Val (NM_001165899.2, NM_001364599.1); c.1570A>G, p.Met524Val (NM_001197218.2); c.1396A>G, p.Met466Val (NM_001197219.2); c.1354A>G, p.Met452Val (NM_006203.5); c.1372A>G, p.Met458Val (NM_001197220.2); c.856A>G, p.Met286Val (NM_001197221.2, NM_001364603.1); c.1090A>G, p.Met364Val (NM_001197222.2); c.889A>G, p.Met297Val (NM_001197223.2); and 3 more; short protein forms M527V, M588V, M286V, M364V, M452V, M458V, M466V, M524V.
Identifiers: ClinVar variation 436281 (VCV000436281.55), dbSNP rs1554033934, ClinGen allele CA359814822.

ClinVar aggregate classification (germline): Conflicting classifications of pathogenicity. Review status: criteria provided, conflicting classifications (1 of 4 stars). 6 submissions from 6 submitters: Pathogenic (2); Likely pathogenic (2); Uncertain significance (2). Last evaluated 2026-03-09.

Conditions:
PDE4D-related disorder. Also called: PDE4D-related condition.
Acrodysostosis 2 with or without hormone resistance. Also called: ACRODYSOSTOSIS 2 WITH HORMONE RESISTANCE; ACRODYSOSTOSIS 2 WITHOUT HORMONE RESISTANCE. Identifiers: Orphanet 280651, MedGen C3553250, MONDO:0013822, OMIM 614613.

Submissions (6):

PreventionGenetics, part of Exact Sciences
Classification: Likely pathogenic for PDE4D-related condition. Last evaluated: 2026-03-09. Review status: criteria provided, single submitter. Criteria: ACMG Guidelines, 2015. Collection method: clinical testing. Allele origin: germline.
Comment: The PDE4D c.1762A>G variant is predicted to result in the amino acid substitution p.Met588Val. This variant was reported in individuals with a developmental disorder or skeletal dysplasia; in some individuals, this variant was identified as de novo (supplementary data, Turner et al. 2019. PubMed ID: 31785789; supplementary data, Scocchia et al. 2021. PubMed ID: 34627339; supplementary data, MacCarrick et al. 2024. PubMed ID: 38702915). This variant has not been reported in a large population database (gnomAD), indicating this variant is rare. This variant is interpreted as likely pathogenic.

GeneDx
Classification: Likely pathogenic. Last evaluated: 2024-03-01. Review status: criteria provided, single submitter. Criteria: GeneDx Variant Classification Process June 2021. Collection method: clinical testing. Allele origin: germline. Affected: yes.
Comment: Identified in a patient with a suspected skeletal dysplasia in the published literature, however, additional clinical information was not provided (PMID: 34627339); In silico analysis supports that this missense variant has a deleterious effect on protein structure/function; Not observed at significant frequency in large population cohorts (gnomAD); This variant is associated with the following publications: (PMID: 35982159, 33057194, 31785789, 34627339)

Labcorp Genetics (formerly Invitae), Labcorp
Classification: Pathogenic. Last evaluated: 2023-07-10. Review status: criteria provided, single submitter. Criteria: Invitae Variant Classification Sherloc (09022015). Collection method: clinical testing. Allele origin: germline.
Comment: This sequence change replaces methionine, which is neutral and non-polar, with valine, which is neutral and non-polar, at codon 588 of the PDE4D protein (p.Met588Val). This variant is not present in population databases (gnomAD no frequency). For these reasons, this variant has been classified as Pathogenic. Advanced modeling of protein sequence and biophysical properties (such as structural, functional, and spatial information, amino acid conservation, physicochemical variation, residue mobility, and thermodynamic stability) performed at Invitae indicates that this missense variant is expected to disrupt PDE4D protein function. ClinVar contains an entry for this variant (Variation ID: 436281). This missense change has been observed in individual(s) with clinical features of acrodysostosis (Invitae). In at least one individual the variant was observed to be de novo.

Blueprint Genetics
Classification: Uncertain significance. Last evaluated: 2019-11-30. Review status: criteria provided, single submitter. Criteria: Blueprint Genetics Variant Classification Scheme. Collection method: clinical testing. Allele origin: germline. Affected: yes.

CeGaT Center for Human Genetics Tuebingen
Classification: Uncertain significance. Last evaluated: 2017-09-01. Review status: criteria provided, single submitter. Criteria: CeGaT Center For Human Genetics Tuebingen Variant Classification Criteria Version 2. Collection method: clinical testing. Allele origin: germline. Affected: yes. Observed: 1 variant allele.

Genetic Services Laboratory, University of Chicago
Classification: Pathogenic for Acrodysostosis 2, with or without hormone resistance. Last evaluated: 2017-06-20. Review status: criteria provided, single submitter. Criteria: ACMG Guidelines, 2015. Collection method: clinical testing. Allele origin: germline. Affected: yes.